The following is an entry in ClinVar:

ClinVar aggregate classification (germline): Conflicting classifications of pathogenicity. Review status: criteria provided, conflicting classifications (1 of 4 stars). 2 submissions from 2 submitters: Uncertain significance (1); Likely benign (1). Last evaluated 2025-08-24.

Conditions:
Hereditary cancer-predisposing syndrome. Also called: Tumor predisposition; Hereditary Cancer Syndrome; Hereditary neoplastic syndrome; Neoplastic Syndromes, Hereditary. Identifiers: Orphanet 140162, MedGen C0027672, MeSH D009386, MONDO:0015356.
Gastrointestinal stromal tumor. Also called: Gastrointestinal stroma tumor; Gastrointestinal stromal tumor, somatic. Identifiers: Orphanet 44890, MedGen C0238198, MeSH D046152, MONDO:0011719, OMIM 606764, HP:0100723.

Allele frequency attached by ClinVar (database versions not stated): TOPMed below 0.00001; gnomAD 0.00001.
gnomAD v4.1: 1 of 1,613,906 alleles (0.000062%); highest among the groups gnomAD compares: African/African-American, 0.0013%; no homozygotes.

Submissions (2):

Labcorp Genetics (formerly Invitae), Labcorp
Classification: Uncertain significance for Gastrointestinal stromal tumor. Last evaluated: 2025-08-24. Review status: criteria provided, single submitter. Criteria: Invitae Variant Classification Sherloc (09022015). Collection method: clinical testing. Allele origin: germline.
Comment: This sequence change replaces aspartic acid, which is acidic and polar, with asparagine, which is neutral and polar, at codon 458 of the KIT protein (p.Asp458Asn). This variant is not present in population databases (gnomAD no frequency). This variant has not been reported in the literature in individuals affected with KIT-related conditions. ClinVar contains an entry for this variant (Variation ID: 1394584). An algorithm developed to predict the effect of missense changes on protein structure and function outputs the following: PolyPhen-2: "Benign". The asparagine amino acid residue is found in multiple mammalian species, which suggests that this missense change does not adversely affect protein function. In summary, the available evidence is currently insufficient to determine the role of this variant in disease. Therefore, it has been classified as a Variant of Uncertain Significance.

Ambry Genetics
Classification: Likely benign for Hereditary cancer-predisposing syndrome. Last evaluated: 2025-05-26. Review status: criteria provided, single submitter. Criteria: Ambry Variant Classification Scheme 2023. Collection method: clinical testing. Allele origin: germline.

NM_000222.3(KIT):c.1372G>A (p.Asp458Asn)

Gene: KIT (KIT proto-oncogene, receptor tyrosine kinase; plus strand). Cytogenetic location: 4q12.
Variant type: single nucleotide variant.
Coding change: c.1372G>A on transcript NM_000222.3 (MANE Select); coding-DNA position 1372, G replaced by A.
Protein change: p.Asp458Asn; replaces aspartic acid 458 with asparagine.
Molecular consequence: missense variant.
Genome position (GRCh38, 1-based): chr4:54,725,882, G>A. VCF-style: chr4-54725882-G-A. GRCh37 (hg19) VCF-style: chr4-55592048-G-A.
Other names: c.1372G>A, p.Asp458Asn (NM_001093772.2, NM_001385285.1, NM_001385286.1); c.1375G>A, p.Asp459Asn (NM_001385284.1, NM_001385288.1, NM_001385290.1 and 1 more transcripts); short protein forms D459N, D458N.
Identifiers: ClinVar variation 1394584 (VCV001394584.9), dbSNP rs1722185166, ClinGen allele CA356906256.
Genomic context (GRCh38, chr4:54,725,882, plus strand): 5'-AGAGTAAGCCAGGGCTTTTGTTTTCTTCCCTTTAGATGCTCTGCTTCTGTACTGCCAGTG[G>A]ATGTGCAGACACTAAACTCATCTGGGCCACCGTTTGGAAAGCTAGTGGTTCAGAGTTCTA-3'
Protein context (NP_000213.1, residues 448-468): QRCSASVLPV[Asp458Asn]VQTLNSSGPP